The following is an entry in ClinVar:

NM_000784.4(CYP27A1):c.1476+1del

Gene: CYP27A1 (cytochrome P450 family 27 subfamily A member 1; plus strand). Cytogenetic location: 2q35.
Variant type: Deletion.
Coding change: c.1476+1del on transcript NM_000784.4 (MANE Select); the canonical splice donor site of the intron after coding-DNA position 1476, one base deleted (G; older notation c.1476+1delG).
Molecular consequence: splice donor variant.
Genome position (GRCh38, 1-based): chr2:218,814,758, G deleted; the last of 3 consecutive G bases (chr2:218,814,756-218,814,758); deleting any one gives the same sequence. VCF-style (leftmost placement, unchanged base first): chr2-218814755-AG-A. GRCh37 (hg19) VCF-style: chr2-219679478-AG-A.
Identifiers: ClinVar variation 3347075 (VCV003347075.2).

ClinVar aggregate classification (germline): Uncertain significance. Review status: criteria provided, single submitter (1 of 4 stars). 2 submissions from 2 submitters: Uncertain significance (1). 1 of the submissions does not count toward it. Last evaluated 2025-06-29.

Conditions:
CYP27A1-related disorder. Also called: CYP27A1-related condition.
Cholestanol storage disease (CTX). Also called: CEREBRAL CHOLESTERINOSIS; Cerebrotendinous Xanthomatosis; CTX: Cerebrotendinous xanthomatosis. Identifiers: Orphanet 909, MedGen C0238052, MONDO:0008948, OMIM 213700.

Submissions (2):

3billion
Classification: Uncertain significance for Cholestanol storage disease. Last evaluated: 2025-06-29. Review status: criteria provided, single submitter. Criteria: ACMG Guidelines, 2015. Collection method: clinical testing. Allele origin: germline. Affected: yes.
Comment: The variant is observed at an extremely low frequency in the gnomAD v4.1.0 dataset (total allele frequency: <0.001%). Predicted Consequence/Location: No sentences In silico tools predict the variant to alter splicing and produce an abnormal transcript [SpliceAI: 0.04 (spliceogenicity >=0.2, non-spliceogenicity <0.1)]. The variant has been reported to be associated with CYP27A1-related disorder (ClinVar ID: VCV003347075). Therefore, this variant is classified as VUS according to the recommendation of ACMG/AMP guideline.

PreventionGenetics, part of Exact Sciences
Classification: Likely pathogenic for CYP27A1-related condition. Last evaluated: 2024-08-28. Review status: no assertion criteria provided. Collection method: clinical testing. Allele origin: germline. Not counted in ClinVar's aggregate classification.
Comment: The CYP27A1 c.1476+1delG variant is predicted to result in an in-frame deletion (p.?). To our knowledge, this variant has not been reported in the literature or in a large population database, indicating this variant is rare. Alternative variant at the same donor splice site c.1476+2T>C has been reported in the homozygous state in individuals with cerebrotendinous xanthomatosis (Degos et al. 2016. PubMed ID: 27084087; Hu et al. 2018. PubMed ID: 29302074). Variants that disrupt the consensus splice donor site in CYP27A1 are expected to be pathogenic. This variant is interpreted as likely pathogenic.